The following is an entry in ClinVar:

ClinVar aggregate classification (germline): Likely benign (1 of 4 stars; one submission).

Conditions:
Familial cancer of breast. Also called: hereditary breast carcinoma; BREAST CANCER, FAMILIAL; Hereditary breast cancer. Identifiers: Orphanet 227535, MedGen C0346153, MONDO:0016419, OMIM 114480. Disease mechanism: loss of function.

Submission:

Myriad Genetics, Inc.
Classification: Likely benign for Familial cancer of breast. Last evaluated: 2024-06-14. Review status: criteria provided, single submitter. Criteria: Myriad Autosomal Dominant, Autosomal Recessive and X-Linked Classification Criteria (2023). Collection method: clinical testing. Allele origin: unknown.
Comment: This variant is considered likely benign. This variant is intronic and is not expected to impact mRNA splicing.

NM_000051.4(ATM):c.7630-18A>T

Genes: ATM (ATM serine/threonine kinase; plus strand), C11orf65 (chromosome 11 open reading frame 65; minus strand). Cytogenetic location: 11q22.3.
Variant type: single nucleotide variant.
Coding change: c.7630-18A>T on transcript NM_000051.4 (MANE Select); 18 bases into the intron before coding-DNA position 7630, A replaced by T.
Molecular consequence: intron variant.
Genome position (GRCh38, 1-based): chr11:108,331,861, A>T. VCF-style: chr11-108331861-A-T. GRCh37 (hg19) VCF-style: chr11-108202588-A-T.
Other names: c.7630-18A>T (NM_001351834.2); c.641-22790T>A (NM_001330368.2); c.*38+3359T>A (NM_001351110.2).
Identifiers: ClinVar variation 3254172 (VCV003254172.1), dbSNP rs1236081666.
Genomic context (GRCh38, chr11:108,331,861, plus strand): 5'-TTAATGTTAAGCAAAATGAAAAATATGGATTATATTTTTTTGTTTATTTGCATAAATCTA[A>T]TAGTTCTTTTCTTACAGCTAATCTCTAGAATTTCAATGGATCACCCCCATCACACTTTGT-3'